The following is an entry in ClinVar:

ClinVar aggregate classification (germline): association (0 of 4 stars; one submission).

Conditions:
Triple-negative breast cancer. Identifiers: MedGen C3539878.

Submission:

Molecular Oncology Laboratory, Centre Jean Perrin
Classification: association for Triple-negative breast cancer. Last evaluated: 2015-02-26. Review status: no assertion criteria provided. Collection method: case-control. Allele origin: germline. Affected: yes. Observed: 1 variant allele. Study: New genes of triple-negative familial non-BRCA1/2 breast cancer susceptibility give insights for targeted therapies.
Comment: Loss of heterozygosity in the tumor

Literature cited by the submitters: PubMed 26328243.

NM_005591.4(MRE11):c.901C>G (p.Leu301Val)

Gene: MRE11 (MRE11 homolog, double strand break repair nuclease; minus strand). Cytogenetic location: 11q21.
Variant type: single nucleotide variant.
Coding change: c.901C>G on transcript NM_005591.4 (MANE Select); coding-DNA position 901, C replaced by G.
Protein change: p.Leu301Val; replaces leucine 301 with valine.
Molecular consequence: missense variant.
Genome position (GRCh38, 1-based): chr11:94,470,587, G>C on the plus strand (C>G on the coding strand, the complement: MRE11 is on the minus strand). VCF-style: chr11-94470587-G-C. GRCh37 (hg19) VCF-style: chr11-94203753-G-C.
Other names: c.901C>G, p.Leu301Val (NM_001330347.2, NM_005590.4); short protein forms L301V.
Identifiers: ClinVar variation 218156 (VCV000218156.2), dbSNP rs863225441, ClinGen allele CA279892.